The following is an entry in ClinVar:

ClinVar aggregate classification (germline): Uncertain significance. Review status: criteria provided, multiple submitters, no conflicts (2 of 4 stars). 4 submissions from 4 submitters: Uncertain significance (4). Last evaluated 2025-08-05.

Conditions:
Malignant hyperthermia, susceptibility to, 1 (MHS1). Also called: RYR1-Related Malignant Hyperthermia Susceptibility; Anesthesia related hyperthermia; Malignant hyperpyrexia; Fulminating hyperpyrexia; Pharmacogenic myopathy; Malignant hyperthermia suceptibility 1. Identifiers: Orphanet 423, MedGen C2930980, MONDO:0007783, OMIM 145600.
Central core myopathy (CMYO1A). Also called: Central core disease; Myopathy, central fibrillar; CONGENITAL MYOPATHY 1A, AUTOSOMAL DOMINANT, WITH SUSCEPTIBILITY TO MALIGNANT HYPERTHERMIA. Identifiers: Orphanet 597, MedGen C5830701, MONDO:0007294, OMIM 117000.
Congenital myopathy with fiber type disproportion. Also called: Congenital fiber-type disproportion; Congenital fiber-type disproportion myopathy. Identifiers: Orphanet 2020, MedGen C0546264, MONDO:0009711. Inheritance: all.
King Denborough syndrome (KDS). Identifiers: MedGen C1840365, MONDO:0020485, OMIM 619542.
Congenital multicore myopathy with external ophthalmoplegia (CMYO1B). Also called: MULTICORE MYOPATHY; Congenital myopathy 1B, autosomal recessive; Minicore myopathy; MULTIMINICORE DISEASE WITH EXTERNAL OPHTHALMOPLEGIA; Minicore myopathy with external ophthalmoplegia. Identifiers: Orphanet 598, Orphanet 98905, MedGen C1850674, MONDO:0009712, OMIM 255320, HP:0003789.
RYR1-related disorder. Also called: RYR1-related condition; RYR1-related disorders. Identifiers: MedGen CN239331.

Allele frequency attached by ClinVar (database versions not stated): gnomAD exomes below 0.00001; gnomAD 0.00001; TOPMed 0.00003.
gnomAD v4.1: 6 of 1,609,088 alleles (0.00037%); highest among the groups gnomAD compares: East Asian, 0.0045%; no homozygotes.

Submissions (4):

Color Diagnostics, LLC DBA Color Health
Classification: Uncertain significance for Malignant hyperthermia, susceptibility to, 1. Last evaluated: 2025-08-05. Review status: criteria provided, single submitter. Criteria: ACMG Guidelines, 2015. Collection method: clinical testing. Allele origin: germline.
Comment: This missense variant replaces leucine with phenylalanine at codon 28 of the RYR1 protein. Computational prediction suggests that this variant may not impact protein structure and function. To our knowledge, functional studies have not been reported for this variant. This variant has not been reported in individuals affected with RYR1-related disorders in the literature. This variant has not been identified in the general population by the Genome Aggregation Database (gnomAD). The available evidence is insufficient to determine the role of this variant in disease conclusively. Therefore, this variant is classified as a Variant of Uncertain Significance.

Fulgent Genetics
Classification: Uncertain significance for Central core myopathy; Malignant hyperthermia, susceptibility to, 1; Congenital myopathy 4A, autosomal dominant; Congenital multicore myopathy with external ophthalmoplegia; King Denborough syndrome. Last evaluated: 2021-10-29. Review status: criteria provided, single submitter. Criteria: ACMG Guidelines, 2015. Collection method: clinical testing. Allele origin: unknown.

Revvity Omics, Revvity
Classification: Uncertain significance. Last evaluated: 2019-01-04. Review status: criteria provided, single submitter. Criteria: ACMG Guidelines, 2015. Collection method: clinical testing. Allele origin: germline.

Labcorp Genetics (formerly Invitae), Labcorp
Classification: Uncertain significance for RYR1-related disorder. Last evaluated: 2018-02-06. Review status: criteria provided, single submitter. Criteria: Invitae Variant Classification Sherloc (09022015). Collection method: clinical testing. Allele origin: germline.
Comment: This missense change is located in a region of the RYR1 protein where a significant number of previously reported RYR1 missense mutations are found (PMID: 16084090). These observations suggest that a previously unreported missense substitution within this region may affect protein function, but experiments have not been done to test this possibility. In summary, the available evidence is currently insufficient to determine the role of this variant in disease. Therefore, it has been classified as a Variant of Uncertain Significance. Algorithms developed to predict the effect of missense changes on protein structure and function do not agree on the potential impact of this missense change (SIFT: "Tolerated"; PolyPhen-2: "Probably Damaging"; Align-GVGD: "Class C0"). This variant has not been reported in the literature in individuals with RYR1-related disease. This variant is not present in population databases (ExAC no frequency). This sequence change replaces leucine with phenylalanine at codon 28 of the RYR1 protein (p.Leu28Phe). The leucine residue is moderately conserved and there is a small physicochemical difference between leucine and phenylalanine.

Literature cited by the submitters: PubMed 16084090 (cited by Labcorp Genetics (formerly Invitae), Labcorp).

NM_000540.3(RYR1):c.82C>T (p.Leu28Phe)

Gene: RYR1 (ryanodine receptor 1; plus strand). Cytogenetic location: 19q13.2.
Variant type: single nucleotide variant.
Coding change: c.82C>T on transcript NM_000540.3 (MANE Select); coding-DNA position 82, C replaced by T.
Protein change: p.Leu28Phe; replaces leucine 28 with phenylalanine.
Molecular consequence: missense variant.
Genome position (GRCh38, 1-based): chr19:38,440,781, C>T. VCF-style: chr19-38440781-C-T. GRCh37 (hg19) VCF-style: chr19-38931421-C-T.
Other names: c.82C>T, p.Leu28Phe (NM_001042723.2); short protein forms L28F.
Identifiers: ClinVar variation 544416 (VCV000544416.15), dbSNP rs1242495143, ClinGen allele CA405671596.